The following is an entry in ClinVar:

NM_058179.4(PSAT1):c.835T>C (p.Tyr279His)

Gene: PSAT1 (phosphoserine aminotransferase 1; plus strand). Cytogenetic location: 9q21.2.
Variant type: single nucleotide variant.
Coding change: c.835T>C on transcript NM_058179.4 (MANE Select); coding-DNA position 835, T replaced by C.
Protein change: p.Tyr279His; replaces tyrosine 279 with histidine.
Molecular consequence: missense variant.
Genome position (GRCh38, 1-based): chr9:78,317,770, T>C. VCF-style: chr9-78317770-T-C. GRCh37 (hg19) VCF-style: chr9-80932686-T-C.
Other names: c.835T>C, p.Tyr279His (NM_021154.5); short protein forms Y279H.
Identifiers: ClinVar variation 1500377 (VCV001500377.8), dbSNP rs2118681747, ClinGen allele CA373857389.

ClinVar aggregate classification (germline): Uncertain significance (1 of 4 stars; one submission).

Conditions:
Neu-Laxova syndrome 2. Identifiers: Orphanet 2671, Orphanet 583602, MedGen C4015019, MONDO:0014466, OMIM 616038.

Submission:

Labcorp Genetics (formerly Invitae), Labcorp
Classification: Uncertain significance for Neu-Laxova syndrome 2. Last evaluated: 2025-11-03. Review status: criteria provided, single submitter. Criteria: Invitae Variant Classification Sherloc (09022015). Collection method: clinical testing. Allele origin: germline.
Comment: This sequence change replaces tyrosine, which is neutral and polar, with histidine, which is basic and polar, at codon 279 of the PSAT1 protein (p.Tyr279His). This variant is not present in population databases (gnomAD no frequency). This variant has not been reported in the literature in individuals affected with PSAT1-related conditions. ClinVar contains an entry for this variant (Variation ID: 1500377). Invitae Evidence Modeling of protein sequence and biophysical properties (such as structural, functional, and spatial information, amino acid conservation, physicochemical variation, residue mobility, and thermodynamic stability) indicates that this missense variant is expected to disrupt PSAT1 protein function with a positive predictive value of 80%. In summary, the available evidence is currently insufficient to determine the role of this variant in disease. Therefore, it has been classified as a Variant of Uncertain Significance.